The following is an entry in ClinVar:

NM_000059.4(BRCA2):c.280C>T (p.Pro94Ser)

Gene: BRCA2 (BRCA2 DNA repair associated; plus strand). Cytogenetic location: 13q13.1.
Variant type: single nucleotide variant.
Coding change: c.280C>T on transcript NM_000059.4 (MANE Select); coding-DNA position 280, C replaced by T.
Protein change: p.Pro94Ser; replaces proline 94 with serine.
Molecular consequence: missense variant.
Genome position (GRCh38, 1-based): chr13:32,319,289, C>T. VCF-style: chr13-32319289-C-T. GRCh37 (hg19) VCF-style: chr13-32893426-C-T.
Other names: 508C>T; short protein forms P94S.
Identifiers: ClinVar variation 37803 (VCV000037803.80), dbSNP rs80358531, ClinGen allele CA016455.

ClinVar aggregate classification (germline): Conflicting classifications of pathogenicity. Review status: criteria provided, conflicting classifications (1 of 4 stars). 23 submissions from 23 submitters: Uncertain significance (7); Benign (1); Likely benign (10). 5 of the submissions do not count toward it. Last evaluated 2026-02-16.

Conditions:
Breast and/or ovarian cancer. Identifiers: MedGen CN221562.
Hereditary cancer. Identifiers: MedGen C1333600.
BRCA2-related disorder. Also called: BRCA2-related condition; BRCA2-related disorders. Identifiers: MedGen CN239275.
Hereditary cancer-predisposing syndrome. Also called: Hereditary neoplastic syndrome; Tumor predisposition; Hereditary Cancer Syndrome; Neoplastic Syndromes, Hereditary. Identifiers: Orphanet 140162, MedGen C0027672, MeSH D009386, MONDO:0015356.
Hereditary breast ovarian cancer syndrome. Also called: Breast and ovarian cancer; Hereditary breast and/or ovarian cancer syndrome; BRCA1- and BRCA2-Associated Hereditary Breast and Ovarian Cancer; Hereditary breast and ovarian cancer syndrome; Hereditary breast and ovarian cancer; Hereditary breast and ovarian cancer syndrome (HBOC). Identifiers: Orphanet 145, MedGen C0677776, MeSH D061325, MONDO:0003582. Disease mechanism: loss of function.
Breast-ovarian cancer, familial, susceptibility to, 2 (BROVCA2). Also called: BRCA2 Hereditary Breast and Ovarian Cancer. Identifiers: Orphanet 145, MedGen C2675520, MONDO:0012933, OMIM 612555. Disease mechanism: loss of function.

Allele frequency attached by ClinVar (database versions not stated): gnomAD 0.00004 and 0.00005; TOPMed 0.00014.

Submissions 1 to 13 of 23:

Women's Health and Genetics/Laboratory Corporation of America, LabCorp
Classification: Likely benign. Last evaluated: 2026-02-16. Review status: criteria provided, single submitter. Criteria: LabCorp Variant Classification Summary - May 2015. Collection method: clinical testing. Allele origin: germline.
Comment: Variant summary: BRCA2 c.280C>T (p.Pro94Ser) results in a non-conservative amino acid change in the encoded protein sequence. Algorithms developed to predict the effect of missense changes on protein structure and function are either unavailable or do not agree on the potential impact of this missense change. The variant allele was found at a frequency of 4.8e-05 in 251082 control chromosomes. This frequency is not significantly higher than estimated for disease-causing variants in BRCA2, allowing no conclusion about variant significance. c.280C>T has been observed in individuals affected with breast and/or ovarian cancer, without strong evidence for causality (e.g. Caux-Moncoutier_2009, Ortiz_2016, Maksimenko_2018, Guindalini_2022, Delahunty_2022). These reports do not provide unequivocal conclusions about association of the variant with Hereditary Breast And Ovarian Cancer Syndrome. Co-occurrences with other pathogenic variants have been reported (BRCA1 c.5266dup, p.Gln1756fsX74, UMD database; BRCA1 c.70_80del, p.Cys24SerfsX13, Delahunty_2022), providing supporting evidence for a benign role. This variant had no effect in a study assessing allelic imbalance as an indirect measure of the impact of out-of-frame defects leading to reductions in the levels of mutant mRNA cleared through NMD (example, Caux-Moncoutier 2009). Consistent with this result, a second study has shown variant has no effect on splicing and classified the variant as benign (Thomassen_ 2022). The following publications have been ascertained in the context of this evaluation (PMID: 19471317, 21120943, 35264596, 29928469, 29659569, 35979650, 35263119). ClinVar contains an entry for this variant (Variation ID: 37803). Based on the evidence outlined above, the variant was classified as likely benign.

Labcorp Genetics (formerly Invitae), Labcorp
Classification: Likely benign for Hereditary breast ovarian cancer syndrome. Last evaluated: 2026-01-29. Review status: criteria provided, single submitter. Criteria: Invitae Variant Classification Sherloc (09022015). Collection method: clinical testing. Allele origin: germline.

Quest Diagnostics Nichols Institute San Juan Capistrano
Classification: Uncertain significance. Last evaluated: 2025-07-29. Review status: criteria provided, single submitter. Criteria: Quest Diagnostics criteria. Collection method: clinical testing. Allele origin: unknown.
Comment: The BRCA2 c.280C>T (p.Pro94Ser) variant has been reported in individuals with breast cancer (PMID: 19471317 (2009), 29928469 (2018), 35264596 (2022), 36881271 (2023)), suspected of breast and/or ovarian cancer (PMID: 38160042 (2024)), pancreatic cancer (PMID: 39256447 (2024)), and familial nonmedullary thyroid cancer (PMID: 39251783 (2025)). Additionally, this variant has been identified in reportedly unaffected individuals (PMID: 33471991 (2021), see also LOVD). Published functional studies indicate that this variant does not alter splicing (PMID: 32641407 (2020), 32123317 (2020)) and does not demonstrate a deleterious effect on BRCA2 protein function (PMID: 19471317 (2009), 35979650 (2022)). The frequency of this variant in the general population (Genome Aggregation Database) is uninformative in the assessment of its pathogenicity. Analysis of this variant using bioinformatics tools for the prediction of the effect of amino acid changes on protein structure and function yielded conflicting predictions that this variant is benign or damaging. Based on the available information, we are unable to determine the clinical significance of this variant.

PreventionGenetics, part of Exact Sciences
Classification: Likely benign for BRCA2-related condition. Last evaluated: 2025-06-06. Review status: criteria provided, single submitter. Criteria: ACMG Guidelines, 2015. Collection method: clinical testing. Allele origin: germline.
Comment: This variant is classified as likely benign based on ACMG/AMP sequence variant interpretation guidelines (Richards et al. 2015 PMID: 25741868, with internal and published modifications).

Molecular Diagnostics Laboratory, Catalan Institute of Oncology
Classification: Benign for Hereditary cancer-predisposing syndrome. Last evaluated: 2025-05-19. Review status: criteria provided, single submitter. Criteria: ClinGen BRCA1BRCA2 ACMG Specifications BRCA2 V1.0.0. Collection method: clinical testing. Allele origin: germline.
Comment: BS1_Supporting, BP1_Strong, BP5_Moderate c.280C>T, located in exon 3 of the BRCA2 gene, is predicted to result in the substitution of Proline by Serine at codon 94, p.(Pro94Ser). This position is outside a (potentially) clinically important functional domain and, moreover, the SpliceAI algorithm predicts no significant impact on splicing (BP1_strong). The variant allele was found in 12/236576 alleles, with a filter allele frequency of 0.005% in the gnomAD v2.1.1 database (non-cancer data set) (BS1_supporting). This alteration was studied in a multifactorial likelihood analysis showing a combined LR 0.1 (co-occurrence LR 1.4, family history LR 0.07) (PMID: 35979650) (BP5_moderate). Additional information has not been evaluated for this variant. It has been reported in the ClinVar (6x Uncertain Significance; 8x Likely benign), LOVD (1x Benign, 1x Likely benign, 4x uncertain significance, 1x NA) and BRCA Exchange (not yet reviewed) databases. Based on the currently available information, c.280C>T is classified as a benign variant according to ClinGen-BRCA2 Guidelines version 1.

Hereditary Cancer Laboratory, Hospital Universitario 12 de Octubre
Classification: Uncertain significance for Hereditary cancer-predisposing syndrome. Last evaluated: 2025-04-13. Review status: criteria provided, single submitter. Criteria: ACMG Guidelines, 2015. Collection method: clinical testing. Allele origin: germline.
Comment: PM2+BP4

Center for Genomic Medicine, Rigshospitalet, Copenhagen University Hospital
Classification: Likely benign. Last evaluated: 2025-03-04. Review status: criteria provided, single submitter. Criteria: ACMG Guidelines, 2015. Collection method: clinical testing. Allele origin: germline.

ARUP Laboratories, Molecular Genetics and Genomics, ARUP Laboratories
Classification: Likely benign. Last evaluated: 2024-12-19. Review status: criteria provided, single submitter. Criteria: ARUP Molecular Germline Variant Investigation Process 2024. Collection method: clinical testing. Allele origin: germline.

Mendelics
Classification: Likely benign for Hereditary cancer. Last evaluated: 2024-09-11. Review status: criteria provided, single submitter. Criteria: ACMG Guidelines, 2015. Collection method: clinical testing. Allele origin: unknown.
Comment: This variant is considered likely benign or benign based on one or more of the following: it is predicted to be benign by multiple in silico algorithms, and/or has population frequency not consistent with disease, and/or has normal protein function, and/or has lack of segregation with disease, and/or has been detected in co-occurrence with known pathogenic variant, and/or has lack of disease association in case-control studies, and/or is located in a region inconsistent with a known cause of pathogenicity.

Blueprint Genetics
Classification: Likely benign. Last evaluated: 2024-06-19. Review status: criteria provided, single submitter. Criteria: ACMG Guidelines, 2015. Collection method: clinical testing. Allele origin: germline.

CHEO Genetics Diagnostic Laboratory, Children's Hospital of Eastern Ontario
Classification: Uncertain significance for Breast and/or ovarian cancer. Last evaluated: 2023-06-12. Review status: criteria provided, single submitter. Criteria: ACMG Guidelines, 2015. Collection method: clinical testing. Allele origin: germline.

Sema4
Classification: Uncertain significance for Hereditary cancer-predisposing syndrome. Last evaluated: 2022-02-28. Review status: criteria provided, single submitter. Criteria: Sema4 Curation Guidelines. Collection method: curation. Allele origin: germline.
Comment: The BRCA2 c.280C>T (p.P94S) variant has been reported in heterozygosity in at least two individuals with breast and/or ovarian and at least one individual with prostate cancer (PMID: 29928469,21120943, 29659569). Experimental studies have shown that this variant does not alter splicing activity (PMID: 19471317, 32641407, 32123317). This variant was observed in 5/34570 chromosomes, including no homozygotes, in the Latino subpopulation according to the Genome Aggregation Database (PMID: 32461654). The variant has been reported in ClinVar (Variation ID: 37803). Functional studies have not been performed, and in silico predictions of the variant's effect on protein function are inconclusive. The evidence is insufficient to meet ACMG/AMP criteria for classifying the variant as benign or pathogenic. Thus, the clinical significance of this variant is currently uncertain.

Genetics Program, Instituto Nacional de Cancer
Classification: Uncertain significance for Hereditary breast ovarian cancer syndrome. Last evaluated: 2021-11-01. Review status: criteria provided, single submitter. Criteria: ACMG Guidelines, 2015. Collection method: research. Allele origin: germline. Affected: yes.